The following is an entry in ClinVar:

NM_000528.4(MAN2B1):c.1545T>G (p.Tyr515Ter)

Gene: MAN2B1 (mannosidase alpha class 2B member 1; minus strand). Cytogenetic location: 19p13.13.
Variant type: single nucleotide variant.
Coding change: c.1545T>G on transcript NM_000528.4 (MANE Select); coding-DNA position 1545, T replaced by G.
Protein change: p.Tyr515Ter; replaces tyrosine 515 with a stop codon.
Molecular consequence: nonsense.
Genome position (GRCh38, 1-based): chr19:12,656,670, A>C on the plus strand (T>G on the coding strand, the complement: MAN2B1 is on the minus strand). VCF-style: chr19-12656670-A-C. GRCh37 (hg19) VCF-style: chr19-12767484-A-C.
Other names: c.1542T>G, p.Tyr514Ter (NM_001173498.2); short protein forms Y515*, Y514*.
Identifiers: ClinVar variation 2837812 (VCV002837812.4), dbSNP rs2023968144, ClinGen allele CA404245861.

ClinVar aggregate classification (germline): Pathogenic/Likely pathogenic. Review status: criteria provided, multiple submitters, no conflicts (2 of 4 stars). 2 submissions from 2 submitters: Pathogenic (1); Likely pathogenic (1). Last evaluated 2024-02-21.

Conditions:
Deficiency of alpha-mannosidase (MANSA). Also called: Alpha-Mannosidosis; LYSOSOMAL ALPHA-D-MANNOSIDASE DEFICIENCY; Mannosidosis, alpha-, types I and II. Identifiers: Orphanet 61, MedGen C0024748, MONDO:0009561, OMIM 248500.

Allele frequency attached by ClinVar (database versions not stated): gnomAD exomes below 0.00001.
gnomAD v4.1: 1 of 1,613,516 alleles (0.000062%); highest among the groups gnomAD compares: South Asian, 0.0011%; no homozygotes.

Submissions (2):

Fulgent Genetics
Classification: Likely pathogenic for Deficiency of alpha-mannosidase. Last evaluated: 2024-02-21. Review status: criteria provided, single submitter. Criteria: ACMG Guidelines, 2015. Collection method: clinical testing. Allele origin: germline.

Labcorp Genetics (formerly Invitae), Labcorp
Classification: Pathogenic for Deficiency of alpha-mannosidase. Last evaluated: 2023-02-23. Review status: criteria provided, single submitter. Criteria: Invitae Variant Classification Sherloc (09022015). Collection method: clinical testing. Allele origin: germline.
Comment: This sequence change creates a premature translational stop signal (p.Tyr515*) in the MAN2B1 gene. It is expected to result in an absent or disrupted protein product. Loss-of-function variants in MAN2B1 are known to be pathogenic (PMID: 9915946, 22161967). This variant is not present in population databases (gnomAD no frequency). This variant has not been reported in the literature in individuals affected with MAN2B1-related conditions. For these reasons, this variant has been classified as Pathogenic.

Literature cited by the submitters: PubMed 9915946 (cited by Labcorp Genetics (formerly Invitae), Labcorp); PubMed 22161967 (cited by Labcorp Genetics (formerly Invitae), Labcorp).